The following is an entry in ClinVar:

NM_005026.5(PIK3CD):c.2235-5G>C

Gene: PIK3CD (phosphatidylinositol-4,5-bisphosphate 3-kinase catalytic subunit delta; plus strand). Cytogenetic location: 1p36.22.
Variant type: single nucleotide variant.
Coding change: c.2235-5G>C on transcript NM_005026.5 (MANE Select); 5 bases into the intron before coding-DNA position 2235, G replaced by C.
Molecular consequence: intron variant.
Genome position (GRCh38, 1-based): chr1:9,722,239, G>C. VCF-style: chr1-9722239-G-C. GRCh37 (hg19) VCF-style: chr1-9782297-G-C.
Other names: c.2091-5G>C (NM_001437547.1, NM_001438338.1); c.2232-5G>C (NM_001439206.1, NM_001350234.2); c.2235-5G>C (NM_001437546.1); c.2148-5G>C (NM_001350235.1).
Identifiers: ClinVar variation 4085673 (VCV004085673.8).
Genomic context (GRCh38, chr1:9,722,239, plus strand): 5'-TTCCTCCCACCCCTGGGAGGCCGGTAGAGGAGCCCCTGCTGACTGCCCGCTCTCTGGCCT[G>C]GCAGCGTGGAGCAGTGCACCTTCATGGACTCCAAGATGAAGCCCCTGTGGATCATGTACA-3'

ClinVar aggregate classification (germline): Uncertain significance (1 of 4 stars; one submission).

Submission:

CeGaT Center for Human Genetics Tuebingen
Classification: Uncertain significance. Last evaluated: 2025-08-01. Review status: criteria provided, single submitter. Criteria: CeGaT Center For Human Genetics Tuebingen Variant Classification Criteria Version 2. Collection method: clinical testing. Allele origin: germline. Affected: yes. Observed: 1 variant allele.
Comment: PIK3CD: PM2, BP4